The following is an entry in ClinVar:

NM_001368809.2(AMPD2):c.1057C>T (p.Arg353Ter)

Genes: AMPD2 (adenosine monophosphate deaminase 2; plus strand), LOC126805822 (BRD4-independent group 4 enhancer GRCh37_chr1:110170748-110171947; plus strand). Cytogenetic location: 1p13.3.
Variant type: single nucleotide variant.
Coding change: c.1057C>T on transcript NM_001368809.2 (MANE Select); coding-DNA position 1057, C replaced by T.
Protein change: p.Arg353Ter; replaces arginine 353 with a stop codon.
Molecular consequence: nonsense.
Genome position (GRCh38, 1-based): chr1:109,627,880, C>T. VCF-style: chr1-109627880-C-T. GRCh37 (hg19) VCF-style: chr1-110170502-C-T.
Other names: c.1219C>T, p.Arg407Ter (NM_001257360.2); c.865C>T, p.Arg289Ter (NM_001257361.2); c.994C>T, p.Arg332Ter (NM_001308170.1); c.1057C>T, p.Arg353Ter (NM_004037.9); c.976C>T, p.Arg326Ter (NM_139156.4); short protein forms R289*, R326*, R332*, R353*, R407*.
Identifiers: ClinVar variation 1705300 (VCV001705300.11), dbSNP rs150197784, ClinGen allele CA28695246.

ClinVar aggregate classification (germline): Pathogenic/Likely pathogenic. Review status: criteria provided, multiple submitters, no conflicts (2 of 4 stars). 5 submissions from 5 submitters: Pathogenic (3); Likely pathogenic (2). Last evaluated 2026-06-08.

Conditions:
AMPD2-related disorder. Also called: AMPD2-related condition.
Pontocerebellar hypoplasia type 9. Identifiers: Orphanet 369920, MedGen C4014354, MONDO:0014351, OMIM 615809.
Hereditary spastic paraplegia 63. Also called: Spastic paraplegia 63, autosomal recessive. Identifiers: Orphanet 401805, MedGen C3810295, MONDO:0014305, OMIM 615686.
Pontoneocerebellar hypoplasia. Also called: Pontocerebellar hypoplasia; Non-syndromic pontocerebellar hypoplasia. Identifiers: Orphanet 98523, MedGen C1261175, MONDO:0020135.

Allele frequency attached by ClinVar (database versions not stated): gnomAD exomes 0.00003; ESP Exome Variant Server 0.00008.

Submissions (5):

Women's Health and Genetics/Laboratory Corporation of America, LabCorp
Classification: Pathogenic for Pontoneocerebellar hypoplasia. Last evaluated: 2026-06-08. Review status: criteria provided, single submitter. Criteria: LabCorp Variant Classification Summary - May 2015. Collection method: clinical testing. Allele origin: germline.
Comment: Variant summary: AMPD2 c.1057C>T (p.Arg353X) results in a premature termination codon, predicted to cause a truncation of the encoded protein or absence of the protein due to nonsense mediated decay, which are commonly known mechanisms for disease. The variant allele was found at a frequency of 1.6e-05 in 251412 control chromosomes. c.1057C>T has been observed in at least one individual affected with pontocerebellar hypoplasia (example: Han_2025). This report does not provide unequivocal conclusions about association of the variant with disease. To our knowledge, no experimental evidence demonstrating an impact on protein function has been reported. The following publication has been ascertained in the context of this evaluation (PMID: 39843441). ClinVar contains an entry for this variant (Variation ID: 1705300). Based on the evidence outlined above, the variant was classified as pathogenic.

CeGaT Center for Human Genetics Tuebingen
Classification: Pathogenic. Last evaluated: 2025-12-01. Review status: criteria provided, single submitter. Criteria: CeGaT Center For Human Genetics Tuebingen Variant Classification Criteria Version 2. Collection method: clinical testing. Allele origin: germline. Affected: yes. Observed: 1 variant allele.
Comment: AMPD2: PVS1, PM2

Labcorp Genetics (formerly Invitae), Labcorp
Classification: Pathogenic for Pontocerebellar hypoplasia type 9; Hereditary spastic paraplegia 63. Last evaluated: 2022-11-23. Review status: criteria provided, single submitter. Criteria: Invitae Variant Classification Sherloc (09022015). Collection method: clinical testing. Allele origin: germline.
Comment: For these reasons, this variant has been classified as Pathogenic. ClinVar contains an entry for this variant (Variation ID: 1705300). This variant has not been reported in the literature in individuals affected with AMPD2-related conditions. This variant is present in population databases (rs150197784, gnomAD 0.003%). This sequence change creates a premature translational stop signal (p.Arg407*) in the AMPD2 gene. It is expected to result in an absent or disrupted protein product. Loss-of-function variants in AMPD2 are known to be pathogenic (PMID: 23911318).

3billion
Classification: Likely pathogenic for Pontocerebellar hypoplasia type 9. Last evaluated: 2022-09-01. Review status: criteria provided, single submitter. Criteria: ACMG Guidelines, 2015. Collection method: clinical testing. Allele origin: germline. Affected: yes. Observed: 1 homozygote.
Comment: The variant is observed at an extremely low frequency in the gnomAD v2.1.1 dataset (total allele frequency: 0.002%). This stop-gained (nonsense) variant is predicted to result in a loss or disruption of normal protein function through nonsense-mediated decay (NMD) or protein truncation. Multiple pathogenic variants are reported downstream of the variant. Therefore, this variant is classified as Likely pathogenic according to the recommendation of ACMG/AMP guideline.

Blueprint Genetics
Classification: Likely pathogenic for AMPD2-related disorders. Last evaluated: 2019-08-09. Review status: criteria provided, single submitter. Criteria: ACMG Guidelines, 2015. Collection method: clinical testing. Allele origin: germline. Affected: yes. Observed: 4 variant alleles.

Literature cited by the submitters: PubMed 39843441 (cited by Women's Health and Genetics/Laboratory Corporation of America, LabCorp); PubMed 23911318 (cited by Labcorp Genetics (formerly Invitae), Labcorp).